The following is an entry in ClinVar:

NM_020919.4(ALS2):c.529G>T (p.Gly177Cys)

Gene: ALS2 (alsin Rho guanine nucleotide exchange factor ALS2; minus strand). Cytogenetic location: 2q33.1.
Variant type: single nucleotide variant.
Coding change: c.529G>T on transcript NM_020919.4 (MANE Select); coding-DNA position 529, G replaced by T.
Protein change: p.Gly177Cys; replaces glycine 177 with cysteine.
Molecular consequence: missense variant.
Genome position (GRCh38, 1-based): chr2:201,761,465, C>A on the plus strand (G>T on the coding strand, the complement: ALS2 is on the minus strand). VCF-style: chr2-201761465-C-A. GRCh37 (hg19) VCF-style: chr2-202626188-C-A.
Other names: c.529G>T, p.Gly177Cys (NM_001135745.2, NM_001410975.1); short protein forms G177C.
Identifiers: ClinVar variation 3775205 (VCV003775205.1).

ClinVar aggregate classification (germline): Uncertain significance (1 of 4 stars; one submission).

Conditions:
Amyotrophic lateral sclerosis type 2, juvenile. Also called: ALS, JUVENILE; Amyotrophic lateral sclerosis type 2. Identifiers: Orphanet 300605, MedGen C1859807, MONDO:0008780, OMIM 205100.

gnomAD v4.1: 1 of 1,608,262 alleles (0.000062%); highest among the groups gnomAD compares: Non-Finnish European, 0.000085%; no homozygotes.

Submission:

3billion
Classification: Uncertain significance for Amyotrophic lateral sclerosis type 2, juvenile. Last evaluated: 2023-12-02. Review status: criteria provided, single submitter. Criteria: ACMG Guidelines, 2015. Collection method: clinical testing. Allele origin: germline. Affected: yes.
Comment: The variant is not observed in the gnomAD v2.1.1 dataset. Predicted Consequence/Location: The majority of the known disease-causing variants of this gene are variants expected to result in premature termination of the protein. Premature termination of the protein is a common disease-causing mechanism for this gene. In silico tool predictions suggest damaging effect of the variant on gene or gene product [REVEL: 0.93 (>=0.6, sensitivity 0.68 and specificity 0.92)]. Same nucleotide change resulting in same amino acid change has been previously reported to be associated with ALS2 related disorder (PMID: 22700954). However, the evidence of pathogenicity is insufficient at this time. Therefore, this variant is classified as VUS according to the recommendation of ACMG/AMP guideline.

Literature cited by the submitters: PubMed 22700954.